The following is an entry in ClinVar:

NM_001042492.3(NF1):c.5354del (p.Ala1785fs)

Gene: NF1 (neurofibromin 1; plus strand). Cytogenetic location: 17q11.2.
Variant type: Deletion.
Coding change: c.5354del on transcript NM_001042492.3 (MANE Select); coding-DNA position 5354, one base deleted (C; older notation c.5354delC).
Protein change: p.Ala1785fs; shifts the reading frame from alanine 1785.
Molecular consequence: frameshift variant.
Genome position (GRCh38, 1-based): chr17:31,327,584, C deleted. VCF-style (leftmost placement, unchanged base first): chr17-31327583-GC-G. GRCh37 (hg19) VCF-style: chr17-29654601-GC-G.
Other names: c.5291delC, p.Ala1764Valfs (NM_000267.4); c.5291delC (NM_000267.3); short protein forms A1764fs, A1785fs.
Identifiers: ClinVar variation 3879091 (VCV003879091.1).

ClinVar aggregate classification (germline): Pathogenic (1 of 4 stars; one submission).

Conditions:
Cardiovascular phenotype. Identifiers: MedGen CN230736.
Hereditary cancer-predisposing syndrome. Also called: Tumor predisposition; Neoplastic Syndromes, Hereditary; Hereditary Cancer Syndrome; Hereditary neoplastic syndrome. Identifiers: Orphanet 140162, MedGen C0027672, MeSH D009386, MONDO:0015356.

Submission:

Ambry Genetics
Classification: Pathogenic for Cardiovascular phenotype; Hereditary cancer-predisposing syndrome. Last evaluated: 2025-02-20. Review status: criteria provided, single submitter. Criteria: Ambry Variant Classification Scheme 2023. Collection method: clinical testing. Allele origin: germline.
Comment: The c.5291delC pathogenic mutation, located in coding exon 37 of the NF1 gene, results from a deletion of one nucleotide at nucleotide position 5291, causing a translational frameshift with a predicted alternate stop codon (p.A1764Vfs*9). This variant is considered to be rare based on population cohorts in the Genome Aggregation Database (gnomAD). This alteration is expected to result in loss of function by premature protein truncation or nonsense-mediated mRNA decay. As such, this alteration is interpreted as a disease-causing mutation.